The following is an entry in ClinVar:

NM_000548.5(TSC2):c.1189C>T (p.Gln397Ter)

Gene: TSC2 (TSC complex subunit 2; plus strand). Cytogenetic location: 16p13.3.
Variant type: single nucleotide variant.
Coding change: c.1189C>T on transcript NM_000548.5 (MANE Select); coding-DNA position 1189, C replaced by T.
Protein change: p.Gln397Ter; replaces glutamine 397 with a stop codon.
Molecular consequence: nonsense.
Genome position (GRCh38, 1-based): chr16:2,061,940, C>T. VCF-style: chr16-2061940-C-T. GRCh37 (hg19) VCF-style: chr16-2111941-C-T.
Other names: c.1189C>T, p.Gln397Ter (NM_001077183.3, NM_001114382.3, NM_001363528.2 and 6 more transcripts); c.1078C>T, p.Gln360Ter (NM_001318827.2, NM_001406670.1, NM_001406678.1); c.1042C>T, p.Gln348Ter (NM_001318829.2, NM_001406675.1, NM_001406676.1 and 1 more transcripts); c.589C>T, p.Gln197Ter (NM_001318831.2, NM_001406684.1, NM_001406685.1 and 6 more transcripts); c.1222C>T, p.Gln408Ter (NM_001318832.2); c.1279C>T, p.Gln427Ter (NM_001406667.1, NM_001406668.1); c.1177C>T, p.Gln393Ter (NM_001406671.1, NM_001406673.1); c.-156C>T (NM_001406689.1, NM_001406690.1, NM_001406691.1 and 4 more transcripts); and 4 more; short protein forms Q197*, Q348*, Q393*, Q408*, Q427*, Q243*, Q360*, Q378*.
Identifiers: ClinVar variation 2011701 (VCV002011701.4), dbSNP rs2151155696, ClinGen allele CA394320626.

ClinVar aggregate classification (germline): Pathogenic (1 of 4 stars; one submission).

Conditions:
Tuberous sclerosis 2 (TSC2). Identifiers: Orphanet 805, MedGen C1860707, MONDO:0013199, OMIM 613254.

Submission:

Labcorp Genetics (formerly Invitae), Labcorp
Classification: Pathogenic for Tuberous sclerosis 2. Last evaluated: 2024-07-21. Review status: criteria provided, single submitter. Criteria: Invitae Variant Classification Sherloc (09022015). Collection method: clinical testing. Allele origin: germline.
Comment: This sequence change creates a premature translational stop signal (p.Gln397*) in the TSC2 gene. It is expected to result in an absent or disrupted protein product. Loss-of-function variants in TSC2 are known to be pathogenic (PMID: 10205261, 17304050). This variant is not present in population databases (gnomAD no frequency). This variant has not been reported in the literature in individuals affected with TSC2-related conditions. ClinVar contains an entry for this variant (Variation ID: 2011701). For these reasons, this variant has been classified as Pathogenic.

Literature cited by the submitters: PubMed 10205261; PubMed 17304050.